The following is an entry in ClinVar:

NM_001367624.2(ZNF469):c.4456G>C (p.Asp1486His)

Gene: ZNF469 (zinc finger protein 469; plus strand). Cytogenetic location: 16q24.2.
Variant type: single nucleotide variant.
Coding change: c.4456G>C on transcript NM_001367624.2 (MANE Select); coding-DNA position 4456, G replaced by C.
Protein change: p.Asp1486His; replaces aspartic acid 1486 with histidine.
Molecular consequence: missense variant.
Genome position (GRCh38, 1-based): chr16:88,431,926, G>C. VCF-style: chr16-88431926-G-C. GRCh37 (hg19) VCF-style: chr16-88498334-G-C.
Other names: NM_001127464.1:c.4372G>C; short protein forms D1486H.
Identifiers: ClinVar variation 3476229 (VCV003476229.1).

ClinVar aggregate classification (germline): Uncertain significance (1 of 4 stars; one submission).

Conditions:
Cardiovascular phenotype. Identifiers: MedGen CN230736.

gnomAD v4.1: 5 of 1,549,412 alleles (0.00032%); highest among the groups gnomAD compares: Non-Finnish European, 0.00035%; no homozygotes.

Submission:

Ambry Genetics
Classification: Uncertain significance for Cardiovascular phenotype. Last evaluated: 2024-10-07. Review status: criteria provided, single submitter. Criteria: Ambry Variant Classification Scheme 2023. Collection method: clinical testing. Allele origin: germline.
Comment: The p.D1458H variant (also known as c.4372G>C), located in coding exon 2 of the ZNF469 gene, results from a G to C substitution at nucleotide position 4372. The aspartic acid at codon 1458 is replaced by histidine, an amino acid with similar properties. This amino acid position is conserved. In addition, this alteration is predicted to be tolerated by in silico analysis. Based on the available evidence, the clinical significance of this variant remains unclear.